The following is an entry in ClinVar:

ClinVar aggregate classification (germline): Uncertain significance. Review status: criteria provided, multiple submitters, no conflicts (2 of 4 stars). 5 submissions from 5 submitters: Uncertain significance (5). Last evaluated 2025-11-07.

Conditions:
CDH23-related disorder. Also called: CDH23-related condition; CDH23-related disorders.

Allele frequency attached by ClinVar (database versions not stated): TOPMed below 0.00001; ExAC 0.00001; gnomAD exomes 0.00001 and 0.00002.
gnomAD v4.1: 9 of 1,611,610 alleles (0.00056%); highest among the groups gnomAD compares: Admixed American, 0.0067%; no homozygotes.

Submissions (5):

GeneDx
Classification: Uncertain significance. Last evaluated: 2025-11-07. Review status: criteria provided, single submitter. Criteria: GeneDx Variant Classification Process June 2021. Collection method: clinical testing. Allele origin: germline. Affected: yes.
Comment: In silico analysis supports that this missense variant has a deleterious effect on protein structure/function; Has not been previously published as pathogenic or benign to our knowledge

PreventionGenetics, part of Exact Sciences
Classification: Uncertain significance for CDH23-related condition. Last evaluated: 2025-05-22. Review status: criteria provided, single submitter. Criteria: ACMG Guidelines, 2015. Collection method: clinical testing. Allele origin: germline.
Comment: The CDH23 c.619G>A variant is predicted to result in the amino acid substitution p.Ala207Thr. To our knowledge, this variant has not been reported in the literature. This variant is reported in 0.0087% of alleles in individuals of Latino descent in gnomAD. At this time, the clinical significance of this variant is uncertain due to the absence of conclusive functional and genetic evidence.

Blueprint Genetics
Classification: Uncertain significance. Last evaluated: 2023-06-13. Review status: criteria provided, single submitter. Criteria: ACMG Guidelines, 2015. Collection method: clinical testing. Allele origin: germline.

Labcorp Genetics (formerly Invitae), Labcorp
Classification: Uncertain significance. Last evaluated: 2022-07-13. Review status: criteria provided, single submitter. Criteria: Invitae Variant Classification Sherloc (09022015). Collection method: clinical testing. Allele origin: germline.
Comment: This sequence change replaces alanine, which is neutral and non-polar, with threonine, which is neutral and polar, at codon 207 of the CDH23 protein (p.Ala207Thr). This variant is present in population databases (rs777365157, gnomAD 0.006%). This variant has not been reported in the literature in individuals affected with CDH23-related conditions. ClinVar contains an entry for this variant (Variation ID: 198586). Algorithms developed to predict the effect of missense changes on protein structure and function are either unavailable or do not agree on the potential impact of this missense change (SIFT: "Deleterious"; PolyPhen-2: "Not Available"; Align-GVGD: "Class C0"). In summary, the available evidence is currently insufficient to determine the role of this variant in disease. Therefore, it has been classified as a Variant of Uncertain Significance.

Eurofins Ntd Llc (ga)
Classification: Uncertain significance. Last evaluated: 2015-01-20. Review status: criteria provided, single submitter. Criteria: EGL Classification Definitions 2015. Collection method: clinical testing. Allele origin: germline. Observed: 1 variant allele, 1 heterozygote.

NM_022124.6(CDH23):c.619G>A (p.Ala207Thr)

Gene: CDH23 (cadherin related 23; plus strand). Cytogenetic location: 10q22.1.
Variant type: single nucleotide variant.
Coding change: c.619G>A on transcript NM_022124.6 (MANE Select); coding-DNA position 619, G replaced by A.
Protein change: p.Ala207Thr; replaces alanine 207 with threonine.
Molecular consequence: missense variant.
Genome position (GRCh38, 1-based): chr10:71,566,931, G>A. VCF-style: chr10-71566931-G-A. GRCh37 (hg19) VCF-style: chr10-73326688-G-A.
Other names: c.619G>A, p.Ala207Thr (NM_001171930.2, NM_001171931.2, NM_001171932.2 and 1 more transcripts); short protein forms A207T.
Identifiers: ClinVar variation 198586 (VCV000198586.12), dbSNP rs777365157, ClinGen allele CA247321.